The following is an entry in ClinVar:

NM_000219.6(KCNE1):c.173C>G (p.Thr58Ser)

Gene: KCNE1 (potassium voltage-gated channel subfamily E regulatory subunit 1; minus strand). Cytogenetic location: 21q22.12.
Variant type: single nucleotide variant.
Coding change: c.173C>G on transcript NM_000219.6 (MANE Select); coding-DNA position 173, C replaced by G.
Protein change: p.Thr58Ser; replaces threonine 58 with serine.
Molecular consequence: missense variant.
Genome position (GRCh38, 1-based): chr21:34,449,462, G>C on the plus strand (C>G on the coding strand, the complement: KCNE1 is on the minus strand). VCF-style: chr21-34449462-G-C. GRCh37 (hg19) VCF-style: chr21-35821760-G-C.
Other names: c.173C>G, p.Thr58Ser (NM_001127668.4, NM_001127669.4, NM_001127670.4 and 4 more transcripts); short protein forms T58S.
Identifiers: ClinVar variation 3374243 (VCV003374243.2).

Conditions:
Long QT syndrome 5 (LQT5). Identifiers: Orphanet 101016, Orphanet 768, MedGen C1867904, MONDO:0013372, OMIM 613695.

Submission:

Roden Lab, Vanderbilt University Medical Center
No classification provided (evidence only). Condition: Long QT syndrome 5. Review status: no classification provided. Collection method: in vitro. Allele origin: not applicable. Functional consequence: Effect on ion channel function.
ClinVar note: "not provided" was previously submitted as the classification for the variant. However, the classification appeared to be based only on an observation of functional data so it was converted to no classification on 2025-07-30.